The following is an entry in ClinVar:

ClinVar aggregate classification (germline): Uncertain significance. Review status: criteria provided, multiple submitters, no conflicts (2 of 4 stars). 2 submissions from 2 submitters: Uncertain significance (2). Last evaluated 2025-03-02.

Conditions:
Neuroblastoma, susceptibility to, 3. Also called: ALK-Related Neuroblastic Tumor Susceptibility. Identifiers: Orphanet 635, MedGen C2751681, MONDO:0013083, OMIM 613014.
Hereditary cancer-predisposing syndrome. Also called: Tumor predisposition; Neoplastic Syndromes, Hereditary; Hereditary neoplastic syndrome; Hereditary Cancer Syndrome. Identifiers: Orphanet 140162, MedGen C0027672, MeSH D009386, MONDO:0015356.

Submissions (2):

Ambry Genetics
Classification: Uncertain significance for Hereditary cancer-predisposing syndrome. Last evaluated: 2025-03-02. Review status: criteria provided, single submitter. Criteria: Ambry Variant Classification Scheme 2023. Collection method: clinical testing. Allele origin: germline.
Comment: The p.P1112A variant (also known as c.3334C>G), located in coding exon 20 of the ALK gene, results from a C to G substitution at nucleotide position 3334. The proline at codon 1112 is replaced by alanine, an amino acid with highly similar properties. This amino acid position is conserved. In addition, the in silico prediction for this alteration is inconclusive. Based on the available evidence, the clinical significance of this variant remains unclear.

Labcorp Genetics (formerly Invitae), Labcorp
Classification: Uncertain significance for Neuroblastoma, susceptibility to, 3. Last evaluated: 2022-02-01. Review status: criteria provided, single submitter. Criteria: Invitae Variant Classification Sherloc (09022015). Collection method: clinical testing. Allele origin: germline.
Comment: In summary, the available evidence is currently insufficient to determine the role of this variant in disease. Therefore, it has been classified as a Variant of Uncertain Significance. Algorithms developed to predict the effect of missense changes on protein structure and function (SIFT, PolyPhen-2, Align-GVGD) all suggest that this variant is likely to be tolerated. This variant has not been reported in the literature in individuals affected with ALK-related conditions. This variant is not present in population databases (gnomAD no frequency). This sequence change replaces proline, which is neutral and non-polar, with alanine, which is neutral and non-polar, at codon 1112 of the ALK protein (p.Pro1112Ala).

NM_004304.5(ALK):c.3334C>G (p.Pro1112Ala)

Gene: ALK (ALK receptor tyrosine kinase; minus strand). Cytogenetic location: 2p23.2.
Variant type: single nucleotide variant.
Coding change: c.3334C>G on transcript NM_004304.5 (MANE Select); coding-DNA position 3334, C replaced by G.
Protein change: p.Pro1112Ala; replaces proline 1112 with alanine.
Molecular consequence: missense variant.
Genome position (GRCh38, 1-based): chr2:29,223,367, G>C on the plus strand (C>G on the coding strand, the complement: ALK is on the minus strand). VCF-style: chr2-29223367-G-C. GRCh37 (hg19) VCF-style: chr2-29446233-G-C.
Other names: c.130C>G, p.Pro44Ala (NM_001353765.2); c.3334C>G (NM_004304.4); short protein forms P1112A, P44A.
Identifiers: ClinVar variation 2091673 (VCV002091673.5), dbSNP rs2148170705, ClinGen allele CA346464684.